The following is an entry in ClinVar:

ClinVar aggregate classification (germline): Uncertain significance. Review status: criteria provided, multiple submitters, no conflicts (2 of 4 stars). 2 submissions from 2 submitters: Uncertain significance (2). Last evaluated 2023-09-09.

Conditions:
DICER1-related tumor predisposition. Also called: DICER1 syndrome; DICER1-related pleuropulmonary blastoma cancer predisposition syndrome. Identifiers: Orphanet 284343, MedGen C3839822, MONDO:0100216.
Hereditary cancer-predisposing syndrome. Also called: Hereditary neoplastic syndrome; Neoplastic Syndromes, Hereditary; Hereditary Cancer Syndrome; Tumor predisposition. Identifiers: Orphanet 140162, MedGen C0027672, MeSH D009386, MONDO:0015356.

Allele frequency attached by ClinVar (database versions not stated): gnomAD exomes below 0.00001.
gnomAD v4.1: 1 of 1,614,166 alleles (0.000062%); highest among the groups gnomAD compares: African/African-American, 0.0013%; no homozygotes.

Submissions (2):

Ambry Genetics
Classification: Uncertain significance for Hereditary cancer-predisposing syndrome. Last evaluated: 2023-09-09. Review status: criteria provided, single submitter. Criteria: Ambry Variant Classification Scheme 2023. Collection method: clinical testing. Allele origin: germline.
Comment: The p.V1773L variant (also known as c.5317G>T), located in coding exon 23 of the DICER1 gene, results from a G to T substitution at nucleotide position 5317. The valine at codon 1773 is replaced by leucine, an amino acid with highly similar properties. This amino acid position is conserved. In addition, this alteration is predicted to be deleterious by in silico analysis. Since supporting evidence is limited at this time, the clinical significance of this alteration remains unclear.

Labcorp Genetics (formerly Invitae), Labcorp
Classification: Uncertain significance for DICER1-related tumor predisposition. Last evaluated: 2021-11-18. Review status: criteria provided, single submitter. Criteria: Invitae Variant Classification Sherloc (09022015). Collection method: clinical testing. Allele origin: germline.
Comment: In summary, the available evidence is currently insufficient to determine the role of this variant in disease. Therefore, it has been classified as a Variant of Uncertain Significance. Algorithms developed to predict the effect of missense changes on protein structure and function are either unavailable or do not agree on the potential impact of this missense change (SIFT: "Deleterious"; PolyPhen-2: "Benign"; Align-GVGD: "Class C25"). This variant has not been reported in the literature in individuals affected with DICER1-related conditions. This variant is not present in population databases (gnomAD no frequency). This sequence change replaces valine, which is neutral and non-polar, with leucine, which is neutral and non-polar, at codon 1773 of the DICER1 protein (p.Val1773Leu).

NM_177438.3(DICER1):c.5317G>T (p.Val1773Leu)

Gene: DICER1 (dicer 1, ribonuclease III; minus strand). Cytogenetic location: 14q32.13.
Variant type: single nucleotide variant.
Coding change: c.5317G>T on transcript NM_177438.3 (MANE Select); coding-DNA position 5317, G replaced by T.
Protein change: p.Val1773Leu; replaces valine 1773 with leucine.
Molecular consequence: missense variant.
Genome position (GRCh38, 1-based): chr14:95,093,935, C>A on the plus strand (G>T on the coding strand, the complement: DICER1 is on the minus strand). VCF-style: chr14-95093935-C-A. GRCh37 (hg19) VCF-style: chr14-95560272-C-A.
Other names: c.5317G>T, p.Val1773Leu (NM_001195573.1, NM_001271282.3, NM_001291628.2 and 1 more transcripts); c.5317G>T (NM_177438.2); short protein forms V1773L.
Identifiers: ClinVar variation 1393955 (VCV001393955.8), dbSNP rs2139811466, ClinGen allele CA390864960.